The following is an entry in ClinVar:

ClinVar aggregate classification (germline): Uncertain significance. Review status: criteria provided, multiple submitters, no conflicts (2 of 4 stars). 2 submissions from 2 submitters: Uncertain significance (2). Last evaluated 2020-04-27.

Conditions:
Cardiomyopathy (CMYO). Also called: Cardiomyopathies. Identifiers: Orphanet 167848, MedGen C0878544, MONDO:0004994, HP:0001638. Inheritance: Various modes of inheritance.

Allele frequency attached by ClinVar (database versions not stated): ExAC below 0.00001; gnomAD exomes below 0.00001 and 0.00002; gnomAD 0.00001.
gnomAD v4.1: 4 of 1,405,782 alleles (0.00028%); highest among the groups gnomAD compares: Middle Eastern, 0.025%; no homozygotes.

Submissions (2):

Color Diagnostics, LLC DBA Color Health
Classification: Uncertain significance for Cardiomyopathy. Last evaluated: 2020-04-27. Review status: criteria provided, single submitter. Criteria: ACMG Guidelines, 2015. Collection method: clinical testing. Allele origin: germline.
Comment: This variant changes a single nucleotide in the 5' untranslated region of the PKP2 gene. Splice site prediction tools and conservation analysis are inconclusive regarding the impact of this variant on RNA splicing. To our knowledge, functional studies have not been reported for this variant. This variant has not been reported in individuals affected with cardiovascular disorders in the literature. This variant has been identified in 1/66272 chromosomes in the general population by the Genome Aggregation Database (gnomAD). The available evidence is insufficient to determine the role of this variant in disease conclusively. Therefore, this variant is classified as a Variant of Uncertain Significance.

Breakthrough Genomics
Classification: Uncertain significance. Review status: criteria provided, single submitter. Criteria: ACMG Guidelines, 2015. Collection method: not provided. Allele origin: germline. Inheritance: Autosomal dominant inheritance. Affected: yes.

NM_001005242.3(PKP2):c.-8C>T

Gene: PKP2 (plakophilin 2; minus strand). Cytogenetic location: 12p11.21.
Variant type: single nucleotide variant.
Coding change: c.-8C>T on transcript NM_001005242.3 (MANE Select); 8 bases upstream of the start codon, C replaced by T.
Molecular consequence: 5 prime UTR variant.
Genome position (GRCh38, 1-based): chr12:32,896,739, G>A on the plus strand (C>T on the coding strand, the complement: PKP2 is on the minus strand). VCF-style: chr12-32896739-G-A. GRCh37 (hg19) VCF-style: chr12-33049673-G-A.
Other names: c.-8C>T (NM_004572.4).
Identifiers: ClinVar variation 921563 (VCV000921563.4), dbSNP rs767539502, ClinGen allele CA039337.